The following is an entry in ClinVar:

ClinVar aggregate classification (germline): Uncertain significance (1 of 4 stars; one submission).

Conditions:
Epidermolysis bullosa simplex 5C, with pyloric atresia (EBS5C). Also called: PLEC-Related Epidermolysis Bullosa with Pyloric Atresia; Epidermolysis bullosa simplex with pyloric atresia; PLEC1-Related Epidermolysis Bullosa with Pyloric Atresia. Identifiers: Orphanet 158684, MedGen C2677349, MONDO:0012807, OMIM 612138.
Autosomal recessive limb-girdle muscular dystrophy type 2Q (LGMDR17). Also called: MUSCULAR DYSTROPHY, LIMB-GIRDLE, AUTOSOMAL RECESSIVE 17. Identifiers: Orphanet 254361, MedGen C3150989, MONDO:0013390, OMIM 613723.
Epidermolysis bullosa simplex 5B, with muscular dystrophy (EBS5B). Also called: Epidermolysis bullosa simplex with muscular dystrophy; EPIDERMOLYSIS BULLOSA SIMPLEX AND LIMB-GIRDLE MUSCULAR DYSTROPHY. Identifiers: Orphanet 257, MedGen C2931072, MONDO:0009181, OMIM 226670.
Epidermolysis bullosa simplex, Ogna type (EBS5A). Also called: EPIDERMOLYSIS BULLOSA SIMPLEX 5A, OGNA TYPE; Pidermolysis bullosa simplex 5A, Ogna type. Identifiers: Orphanet 79401, MedGen C0432317, MONDO:0007555, OMIM 131950.
Epidermolysis bullosa simplex with nail dystrophy (EBS5D). Identifiers: MedGen C4225309, MONDO:0014661, OMIM 616487.

Submission:

Labcorp Genetics (formerly Invitae), Labcorp
Classification: Uncertain significance for Autosomal recessive limb-girdle muscular dystrophy type 2Q; Epidermolysis bullosa simplex, Ogna type; Epidermolysis bullosa simplex with nail dystrophy; Epidermolysis bullosa simplex 5C, with pyloric atresia; Epidermolysis bullosa simplex 5B, with muscular dystrophy. Last evaluated: 2022-09-10. Review status: criteria provided, single submitter. Criteria: Invitae Variant Classification Sherloc (09022015). Collection method: clinical testing. Allele origin: germline.
Comment: In summary, the available evidence is currently insufficient to determine the role of this variant in disease. Therefore, it has been classified as a Variant of Uncertain Significance. Advanced modeling of protein sequence and biophysical properties (such as structural, functional, and spatial information, amino acid conservation, physicochemical variation, residue mobility, and thermodynamic stability) performed at Invitae indicates that this missense variant is not expected to disrupt PLEC protein function. This variant has not been reported in the literature in individuals affected with PLEC-related conditions. This variant is not present in population databases (gnomAD no frequency). This sequence change replaces glutamic acid, which is acidic and polar, with glutamine, which is neutral and polar, at codon 1387 of the PLEC protein (p.Glu1387Gln).

NM_201384.3(PLEC):c.4078G>C (p.Glu1360Gln)

Gene: PLEC (plectin; minus strand). Cytogenetic location: 8q24.3.
Variant type: single nucleotide variant.
Coding change: c.4078G>C on transcript NM_201384.3 (MANE Select); coding-DNA position 4078, G replaced by C.
Protein change: p.Glu1360Gln; replaces glutamic acid 1360 with glutamine.
Molecular consequence: missense variant.
Genome position (GRCh38, 1-based): chr8:143,925,851, C>G on the plus strand (G>C on the coding strand, the complement: PLEC is on the minus strand). VCF-style: chr8-143925851-C-G. GRCh37 (hg19) VCF-style: chr8-145000019-C-G.
Other names: c.4159G>C, p.Glu1387Gln (NM_000445.5); c.4036G>C, p.Glu1346Gln (NM_201378.4); c.4012G>C, p.Glu1338Gln (NM_201379.3); c.4489G>C, p.Glu1497Gln (NM_201380.4); c.3982G>C, p.Glu1328Gln (NM_201381.3); c.4078G>C, p.Glu1360Gln (NM_201382.4); c.4090G>C, p.Glu1364Gln (NM_201383.3); short protein forms E1328Q, E1338Q, E1346Q, E1360Q, E1364Q, E1387Q, E1497Q.
Identifiers: ClinVar variation 1719182 (VCV001719182.6), dbSNP rs782455948, ClinGen allele CA372561455.